The following is an entry in ClinVar:

NM_001278116.2(L1CAM):c.139G>T (p.Val47Phe)

Gene: L1CAM (L1 cell adhesion molecule; minus strand). Cytogenetic location: Xq28.
Variant type: single nucleotide variant.
Coding change: c.139G>T on transcript NM_001278116.2 (MANE Select); coding-DNA position 139, G replaced by T.
Protein change: p.Val47Phe; replaces valine 47 with phenylalanine.
Molecular consequence: missense variant.
Genome position (GRCh38, 1-based): chrX:153,872,650, C>A on the plus strand (G>T on the coding strand, the complement: L1CAM is on the minus strand). VCF-style: chrX-153872650-C-A. GRCh37 (hg19) VCF-style: chrX-153138105-C-A.
Other names: c.139G>T, p.Val47Phe (NM_000425.5, NM_024003.3); c.124G>T, p.Val42Phe (NM_001143963.2); short protein forms V42F, V47F.
Identifiers: ClinVar variation 1771742 (VCV001771742.5), dbSNP rs147251476, ClinGen allele CA10554654.

ClinVar aggregate classification (germline): Conflicting classifications of pathogenicity. Review status: criteria provided, conflicting classifications (1 of 4 stars). 2 submissions from 2 submitters: Uncertain significance (1); Benign (1). Last evaluated 2026-01-27.

Conditions:
Inborn genetic diseases. Identifiers: MedGen C0950123, MeSH D030342.
Spastic paraplegia. Identifiers: MedGen C0037772, HP:0001258.

Allele frequency attached by ClinVar (database versions not stated): gnomAD 0.00009; ESP Exome Variant Server 0.00019; gnomAD exomes 0.00001; ExAC 0.00001.
gnomAD v4.1: 23 of 1,209,124 alleles (0.0019%); highest among the groups gnomAD compares: African/African-American, 0.035%; no homozygotes.

Submissions (2):

Labcorp Genetics (formerly Invitae), Labcorp
Classification: Benign for Spastic paraplegia. Last evaluated: 2026-01-27. Review status: criteria provided, single submitter. Criteria: Invitae Variant Classification Sherloc (09022015). Collection method: clinical testing. Allele origin: germline.

Ambry Genetics
Classification: Uncertain significance for Inborn genetic diseases. Last evaluated: 2017-09-06. Review status: criteria provided, single submitter. Criteria: Ambry Variant Classification Scheme 2023. Collection method: clinical testing. Allele origin: germline.
Comment: The p.V47F variant (also known as c.139G>T), located in coding exon 3 of the L1CAM gene, results from a G to T substitution at nucleotide position 139. The valine at codon 47 is replaced by phenylalanine, an amino acid with highly similar properties. This amino acid position is well conserved in available vertebrate species. In addition, this alteration is predicted to be tolerated by in silico analysis. Since supporting evidence is limited at this time, the clinical significance of this alteration remains unclear.